The following is an entry in ClinVar:

NM_182914.3(SYNE2):c.16753C>T (p.Arg5585Cys)

Gene: SYNE2 (spectrin repeat containing nuclear envelope protein 2; plus strand). Cytogenetic location: 14q23.2.
Variant type: single nucleotide variant.
Coding change: c.16753C>T on transcript NM_182914.3 (MANE Select); coding-DNA position 16753, C replaced by T.
Protein change: p.Arg5585Cys; replaces arginine 5585 with cysteine.
Molecular consequence: missense variant.
Genome position (GRCh38, 1-based): chr14:64,167,380, C>T. VCF-style: chr14-64167380-C-T. GRCh37 (hg19) VCF-style: chr14-64634098-C-T.
Other names: c.16753C>T, p.Arg5585Cys (NM_015180.6); short protein forms R5585C.
Identifiers: ClinVar variation 842636 (VCV000842636.8), dbSNP rs370674900, ClinGen allele CA7223477.

ClinVar aggregate classification (germline): Uncertain significance. Review status: criteria provided, multiple submitters, no conflicts (2 of 4 stars). 2 submissions from 2 submitters: Uncertain significance (2). Last evaluated 2024-09-30.

Conditions:
Emery-Dreifuss muscular dystrophy 5, autosomal dominant (EDMD5). Also called: EMERY-DREIFUSS MUSCULAR DYSTROPHY 5. Identifiers: Orphanet 261, MedGen C2751805, MONDO:0013072, OMIM 612999.

Allele frequency attached by ClinVar (database versions not stated): gnomAD exomes 0.00003 and 0.00006; ExAC 0.00006; gnomAD 0.00009 and 0.00010; TOPMed 0.00012.
gnomAD v4.1: 61 of 1,614,058 alleles (0.0038%); highest among the groups gnomAD compares: Admixed American, 0.038%; no homozygotes.

Submissions (2):

Labcorp Genetics (formerly Invitae), Labcorp
Classification: Uncertain significance for Emery-Dreifuss muscular dystrophy 5, autosomal dominant. Last evaluated: 2024-09-30. Review status: criteria provided, single submitter. Criteria: Invitae Variant Classification Sherloc (09022015). Collection method: clinical testing. Allele origin: germline.
Comment: This sequence change replaces arginine, which is basic and polar, with cysteine, which is neutral and slightly polar, at codon 5585 of the SYNE2 protein (p.Arg5585Cys). This variant is present in population databases (rs370674900, gnomAD 0.04%), and has an allele count higher than expected for a pathogenic variant. This variant has not been reported in the literature in individuals affected with SYNE2-related conditions. ClinVar contains an entry for this variant (Variation ID: 842636). An algorithm developed to predict the effect of missense changes on protein structure and function (PolyPhen-2) suggests that this variant is likely to be disruptive. In summary, the available evidence is currently insufficient to determine the role of this variant in disease. Therefore, it has been classified as a Variant of Uncertain Significance.

Ambry Genetics
Classification: Uncertain significance. Last evaluated: 2021-07-20. Review status: criteria provided, single submitter. Criteria: Ambry Variant Classification Scheme 2023. Collection method: clinical testing. Allele origin: germline.